The following is an entry in ClinVar:

NM_001379110.1(SLC9A6):c.1555G>A (p.Gly519Ser)

Gene: SLC9A6 (solute carrier family 9 member A6; plus strand). Cytogenetic location: Xq26.3.
Variant type: single nucleotide variant.
Coding change: c.1555G>A on transcript NM_001379110.1 (MANE Select); coding-DNA position 1555, G replaced by A.
Protein change: p.Gly519Ser; replaces glycine 519 with serine.
Molecular consequence: missense variant.
Genome position (GRCh38, 1-based): chrX:136,030,136, G>A. VCF-style: chrX-136030136-G-A. GRCh37 (hg19) VCF-style: chrX-135112295-G-A.
Other names: c.1369G>A, p.Gly457Ser (NM_001330652.2); c.1525G>A, p.Gly509Ser (NM_006359.3); c.1621G>A, p.Gly541Ser (NM_001042537.2); c.1465G>A, p.Gly489Ser (NM_001177651.2); short protein forms G519S, G457S, G489S, G509S, G541S.
Identifiers: ClinVar variation 943113 (VCV000943113.14), dbSNP rs782731165, ClinGen allele CA10524822.

ClinVar aggregate classification (germline): Conflicting classifications of pathogenicity. Review status: criteria provided, conflicting classifications (1 of 4 stars). 3 submissions from 3 submitters: Uncertain significance (2); Likely benign (1). Last evaluated 2025-12-13.

Conditions:
Christianson syndrome (MRXSCH). Also called: SLC9A6-Related Syndromic Mental Retardation; X-linked mental retardation, syndromic, Christianson type; INTELLECTUAL DEVELOPMENTAL DISORDER, X-LINKED, SYNDROMIC, CHRISTIANSON TYPE. Identifiers: Orphanet 85278, MedGen C2678194, MONDO:0010278, OMIM 300243.

Allele frequency attached by ClinVar (database versions not stated): ExAC 0.00001; gnomAD 0.00002; TOPMed 0.00002; gnomAD exomes 0.00003 and 0.00006.
gnomAD v4.1: 62 of 1,209,280 alleles (0.0051%); highest among the groups gnomAD compares: Non-Finnish European, 0.0066%; no homozygotes.

Submissions (4):

Labcorp Genetics (formerly Invitae), Labcorp
Classification: Uncertain significance for Christianson syndrome. Last evaluated: 2025-12-13. Review status: criteria provided, single submitter. Criteria: Invitae Variant Classification Sherloc (09022015). Collection method: clinical testing. Allele origin: germline.
Comment: This sequence change replaces glycine, which is neutral and non-polar, with serine, which is neutral and polar, at codon 509 of the SLC9A6 protein (p.Gly509Ser). This variant is present in population databases (rs782731165, gnomAD 0.005%), including at least one homozygous and/or hemizygous individual. This variant has not been reported in the literature in individuals affected with SLC9A6-related conditions. ClinVar contains an entry for this variant (Variation ID: 943113). Invitae Evidence Modeling of protein sequence and biophysical properties (such as structural, functional, and spatial information, amino acid conservation, physicochemical variation, residue mobility, and thermodynamic stability) indicates that this missense variant is not expected to disrupt SLC9A6 protein function with a negative predictive value of 80%. Algorithms developed to predict the effect of sequence changes on RNA splicing suggest that this variant may disrupt the consensus splice site. In summary, the available evidence is currently insufficient to determine the role of this variant in disease. Therefore, it has been classified as a Variant of Uncertain Significance.

GeneDx
Classification: Uncertain significance. Last evaluated: 2024-10-02. Review status: criteria provided, single submitter. Criteria: GeneDx Variant Classification Process June 2021. Collection method: clinical testing. Allele origin: germline. Affected: yes.
Comment: In silico analysis supports that this missense variant has a deleterious effect on protein structure/function; Has not been previously published as pathogenic or benign to our knowledge; In silico analysis is inconclusive as to whether the variant alters gene splicing. In the absence of RNA/functional studies, the actual effect of this sequence change is unknown.

Revvity Omics, Revvity
Classification: Likely benign for Christianson syndrome. Last evaluated: 2024-04-12. Review status: criteria provided, single submitter. Criteria: ACMG Guidelines, 2015. Collection method: clinical testing. Allele origin: germline.

Dr. Peter K. Rogan Lab, Western University
No classification provided (evidence only). Condition: Nonpapillary renal cell carcinoma. Review status: no classification provided. Collection method: in vitro. Allele origin: not applicable. Functional consequence: skipped exon. Not counted in ClinVar's aggregate classification.